The following is an entry in ClinVar:

ClinVar aggregate classification (germline): Pathogenic (1 of 4 stars; one submission).

Conditions:
Leber congenital amaurosis 3 (LCA3). Also called: SPATA7-Related Retinitis Pigmentosa. Identifiers: MedGen C1858677, MONDO:0011415, OMIM 604232.

Allele frequency attached by ClinVar (database versions not stated): gnomAD exomes 0.00001.

Submission:

3billion
Classification: Pathogenic for Leber congenital amaurosis 3. Last evaluated: 2024-01-04. Review status: criteria provided, single submitter. Criteria: ACMG Guidelines, 2015. Collection method: clinical testing. Allele origin: germline. Affected: yes.
Comment: The variant is observed at an extremely low frequency in the gnomAD v2.1.1 dataset (total allele frequency: <0.001%). Predicted Consequence/Location: Stop-gained (nonsense): predicted to result in a loss or disruption of normal protein function through nonsense-mediated decay (NMD) or protein truncation. Multiple pathogenic variants are reported downstream of the variant. The variant has been reported to be associated with SPATA7 related disorder (PMID: 32165824 /3billion dataset). Therefore, this variant is classified as Pathogenic according to the recommendation of ACMG/AMP guideline.

Literature cited by the submitters: PubMed 32165824.

NM_018418.5(SPATA7):c.388C>T (p.Gln130Ter)

Gene: SPATA7 (spermatogenesis associated 7; plus strand). Cytogenetic location: 14q31.3.
Variant type: single nucleotide variant.
Coding change: c.388C>T on transcript NM_018418.5 (MANE Select); coding-DNA position 388, C replaced by T.
Protein change: p.Gln130Ter; replaces glutamine 130 with a stop codon.
Molecular consequence: nonsense.
Genome position (GRCh38, 1-based): chr14:88,426,247, C>T. VCF-style: chr14-88426247-C-T. GRCh37 (hg19) VCF-style: chr14-88892591-C-T.
Other names: c.292C>T, p.Gln98Ter (NM_001040428.4); short protein forms Q130*, Q98*.
Identifiers: ClinVar variation 982551 (VCV000982551.2), dbSNP rs1223558848.